The following is an entry in ClinVar:

ClinVar aggregate classification (germline): Uncertain significance (1 of 4 stars; one submission).

Submission:

Ambry Genetics
Classification: Uncertain significance. Last evaluated: 2024-11-05. Review status: criteria provided, single submitter. Criteria: Ambry Variant Classification Scheme 2023. Collection method: clinical testing. Allele origin: germline.
Comment: The p.E1107K variant (also known as c.3319G>A), located in coding exon 16 of the POLQ gene, results from a G to A substitution at nucleotide position 3319. The glutamic acid at codon 1107 is replaced by lysine, an amino acid with similar properties. This amino acid position is conserved. In addition, this alteration is predicted to be tolerated by in silico analysis. Based on the available evidence, the clinical significance of this variant remains unclear.

NM_199420.4(POLQ):c.3319G>A (p.Glu1107Lys)

Gene: POLQ (DNA polymerase theta; minus strand). Cytogenetic location: 3q13.33.
Variant type: single nucleotide variant.
Coding change: c.3319G>A on transcript NM_199420.4 (MANE Select); coding-DNA position 3319, G replaced by A.
Protein change: p.Glu1107Lys; replaces glutamic acid 1107 with lysine.
Molecular consequence: missense variant.
Genome position (GRCh38, 1-based): chr3:121,489,612, C>T on the plus strand (G>A on the coding strand, the complement: POLQ is on the minus strand). VCF-style: chr3-121489612-C-T. GRCh37 (hg19) VCF-style: chr3-121208459-C-T.
Other names: short protein forms E1107K.
Identifiers: ClinVar variation 3422646 (VCV003422646.1).